The following is an entry in ClinVar:

ClinVar aggregate classification (germline): Conflicting classifications of pathogenicity. Review status: criteria provided, conflicting classifications (1 of 4 stars). 6 submissions from 6 submitters: Uncertain significance (1); Benign (3); Likely benign (2). Last evaluated 2026-01-28.

Conditions:
Propionic acidemia (PROP). Also called: GLYCINEMIA, KETOTIC; HYPERGLYCINEMIA WITH KETOACIDOSIS AND LEUKOPENIA; KETOTIC HYPERGLYCINEMIA. Identifiers: Orphanet 35, MedGen C0268579, MONDO:0011628, OMIM 606054, HP:0003571.

Allele frequency attached by ClinVar (database versions not stated): 1000 Genomes Project 0.00060; 1000 Genomes Project 30x 0.00078; TOPMed 0.00112; ESP Exome Variant Server 0.00177; gnomAD exomes 0.00274 and 0.00310; gnomAD 0.00277 and 0.00291; ExAC 0.00304.
gnomAD v4.1: 4,364 of 1,606,098 alleles (0.27%); highest among the groups gnomAD compares: Non-Finnish European, 0.23%; 21 homozygotes.

Submissions (6):

Labcorp Genetics (formerly Invitae), Labcorp
Classification: Benign for Propionic acidemia. Last evaluated: 2026-01-28. Review status: criteria provided, single submitter. Criteria: Invitae Variant Classification Sherloc (09022015). Collection method: clinical testing. Allele origin: germline.

Women's Health and Genetics/Laboratory Corporation of America, LabCorp
Classification: Benign. Last evaluated: 2025-01-09. Review status: criteria provided, single submitter. Criteria: LabCorp Variant Classification Summary - May 2015. Collection method: clinical testing. Allele origin: germline.
Comment: Variant summary: PCCA c.231+15C>T alters a non-conserved nucleotide located at a position not widely known to affect splicing. Consensus agreement among computation tools predict no significant impact on normal splicing. However, these predictions have yet to be confirmed by functional studies. The variant allele was found at a frequency of 0.0031 in 250160 control chromosomes in the gnomAD database, including 6 homozygotes. The observed variant frequency is approximately 1.4 fold of the estimated maximal expected allele frequency for a pathogenic variant in PCCA causing Propionic Acidemia phenotype (0.0022), strongly suggesting the variant is benign. To our knowledge, no occurrence of c.231+15C>T in individuals affected with Propionic Acidemia and no experimental evidence demonstrating its impact on protein function have been reported. ClinVar contains an entry for this variant (Variation ID: 310842). Based on the evidence outlined above, the variant was classified as benign.

Blueprint Genetics
Classification: Likely benign. Last evaluated: 2024-11-20. Review status: criteria provided, single submitter. Criteria: ACMG Guidelines, 2015. Collection method: clinical testing. Allele origin: germline.

GeneDx
Classification: Benign. Last evaluated: 2018-01-16. Review status: criteria provided, single submitter. Criteria: GeneDx Variant Classification (06012015). Collection method: clinical testing. Allele origin: germline. Affected: yes.
Comment: This variant is considered likely benign or benign based on one or more of the following criteria: it is a conservative change, it occurs at a poorly conserved position in the protein, it is predicted to be benign by multiple in silico algorithms, and/or has population frequency not consistent with disease.

Illumina Laboratory Services, Illumina
Classification: Uncertain significance for Propionic acidemia. Last evaluated: 2018-01-13. Review status: criteria provided, single submitter. Criteria: ICSL Variant Classification Criteria 13 December 2019. Collection method: clinical testing. Allele origin: germline.

Center for Pediatric Genomic Medicine, Children's Mercy Hospital and Clinics
Classification: Likely benign. Last evaluated: 2017-05-11. Review status: criteria provided, single submitter. Criteria: ACMG Guidelines, 2015. Collection method: clinical testing. Allele origin: germline.

NM_000282.4(PCCA):c.231+15C>T

Gene: PCCA (propionyl-CoA carboxylase subunit alpha; plus strand). Cytogenetic location: 13q32.3.
Variant type: single nucleotide variant.
Coding change: c.231+15C>T on transcript NM_000282.4 (MANE Select); 15 bases into the intron after coding-DNA position 231, C replaced by T.
Molecular consequence: intron variant.
Genome position (GRCh38, 1-based): chr13:100,111,903, C>T. VCF-style: chr13-100111903-C-T. GRCh37 (hg19) VCF-style: chr13-100764157-C-T.
Other names: c.231+15C>T (NM_001178004.2, NM_001352605.2, NM_001352606.2 and 1 more transcripts); c.-636+15C>T (NM_001352610.2, NM_001352611.2, NM_001352612.2); c.153+15C>T (NM_001127692.3, NM_001352607.2, NM_001352608.2).
Identifiers: ClinVar variation 310842 (VCV000310842.19), dbSNP rs202049874, ClinGen allele CA7033143.